The following is an entry in ClinVar:

ClinVar aggregate classification (germline): Uncertain significance (1 of 4 stars; one submission).

Submission:

Ambry Genetics
Classification: Uncertain significance. Last evaluated: 2021-07-27. Review status: criteria provided, single submitter. Criteria: Ambry Variant Classification Scheme 2023. Collection method: clinical testing. Allele origin: germline.
Comment: The p.T1703A variant (also known as c.5107A>G), located in coding exon 4 of the ALPK2 gene, results from an A to G substitution at nucleotide position 5107. The threonine at codon 1703 is replaced by alanine, an amino acid with similar properties. This amino acid position is conserved. In addition, this alteration is predicted to be tolerated by in silico analysis. Since supporting evidence is limited at this time, the clinical significance of this alteration remains unclear.

NM_052947.4(ALPK2):c.5107A>G (p.Thr1703Ala)

Genes: ALPK2 (alpha kinase 2; minus strand), LOC130062577 (ATAC-STARR-seq lymphoblastoid active region 13389; plus strand). Cytogenetic location: 18q21.31.
Variant type: single nucleotide variant.
Coding change: c.5107A>G on transcript NM_052947.4 (MANE Select); coding-DNA position 5107, A replaced by G.
Protein change: p.Thr1703Ala; replaces threonine 1703 with alanine.
Molecular consequence: missense variant.
Genome position (GRCh38, 1-based): chr18:58,535,080, T>C on the plus strand (A>G on the coding strand, the complement: ALPK2 is on the minus strand). VCF-style: chr18-58535080-T-C. GRCh37 (hg19) VCF-style: chr18-56202312-T-C.
Other names: short protein forms T1703A.
Identifiers: ClinVar variation 1745373 (VCV001745373.2), dbSNP rs1568077131, ClinGen allele CA402558128.
Genomic context (GRCh38, chr18:58,535,080, plus strand): 5'-AATGTCCACTGCCTGGGGCTTCTGGCTTCCTCTTGACCTCCTCTGACCCCGTCACTGCTG[T>C]GAGGGTCCCTGGCGATTTGCCTGCTCGGGCTTCCAGGGACTTCTCTCTCTCCCTGGACTT-3'
Protein context (NP_443179.3, residues 1693-1713): ARAGKSPGTL[Thr1703Ala]AVTGSEEVKR